The following is an entry in ClinVar:

NM_000465.4(BARD1):c.1903+2639C>T

Gene: BARD1 (BRCA1 associated RING domain 1; minus strand). Cytogenetic location: 2q35.
Variant type: single nucleotide variant.
Coding change: c.1903+2639C>T on transcript NM_000465.4 (MANE Select); 2639 bases into the intron after coding-DNA position 1903, C replaced by T.
Molecular consequence: intron variant.
Genome position (GRCh38, 1-based): chr2:214,742,428, G>A on the plus strand (C>T on the coding strand, the complement: BARD1 is on the minus strand). VCF-style: chr2-214742428-G-A. GRCh37 (hg19) VCF-style: chr2-215607152-G-A.
Other names: c.493+2639C>T (NM_001282548.2); c.1846+2639C>T (NM_001282543.2); c.550+2639C>T (NM_001282545.2); c.365-11920C>T (NM_001282549.2).
Identifiers: ClinVar variation 4732580 (VCV004732580.1).

ClinVar aggregate classification (germline): Uncertain significance (1 of 4 stars; one submission).

Conditions:
Familial cancer of breast. Also called: hereditary breast carcinoma; BREAST CANCER, FAMILIAL; Hereditary breast cancer. Identifiers: Orphanet 227535, MedGen C0346153, MONDO:0016419, OMIM 114480. Disease mechanism: loss of function.

Submission:

Labcorp Genetics (formerly Invitae), Labcorp
Classification: Uncertain significance for Familial cancer of breast. Last evaluated: 2025-12-04. Review status: criteria provided, single submitter. Criteria: Invitae Variant Classification Sherloc (09022015). Collection method: clinical testing. Allele origin: germline.
Comment: This sequence change falls in intron 9 of the BARD1 gene. It does not directly change the encoded amino acid sequence of the BARD1 protein. RNA analysis indicates that this variant induces altered splicing and may result in an absent or altered protein product. This variant is not present in population databases (gnomAD no frequency). This variant has not been reported in the literature in individuals affected with BARD1-related conditions. Studies have shown that this variant results in activation of a cryptic splice site, and produces a non-functional protein and/or introduces a premature termination codon (internal data). In summary, the available evidence is currently insufficient to determine the role of this variant in disease. Therefore, it has been classified as a Variant of Uncertain Significance.